The following is an entry in ClinVar:

ClinVar aggregate classification (germline): Uncertain significance (1 of 4 stars; one submission).

Submission:

Labcorp Genetics (formerly Invitae), Labcorp
Classification: Uncertain significance. Last evaluated: 2022-03-06. Review status: criteria provided, single submitter. Criteria: Invitae Variant Classification Sherloc (09022015). Collection method: clinical testing. Allele origin: germline.
Comment: This sequence change creates a premature translational stop signal (p.Ser776Tyrfs*7) in the PNPT1 gene. While this is not anticipated to result in nonsense mediated decay, it is expected to disrupt the last 8 amino acid(s) of the PNPT1 protein. This variant is present in population databases (rs778431551, gnomAD 0.002%). This variant has not been reported in the literature in individuals affected with PNPT1-related conditions. Experimental studies and prediction algorithms are not available or were not evaluated, and the functional significance of this variant is currently unknown. In summary, the available evidence is currently insufficient to determine the role of this variant in disease. Therefore, it has been classified as a Variant of Uncertain Significance.

NM_033109.5(PNPT1):c.2323_2326dup (p.Ser776fs)

Gene: PNPT1 (polyribonucleotide nucleotidyltransferase 1; minus strand). Cytogenetic location: 2p16.1.
Variant type: Duplication.
Coding change: c.2323_2326dup on transcript NM_033109.5 (MANE Select); coding-DNA positions 2323 to 2326, 4 bases duplicated (ATTT; older notation c.2323_2326dupATTT).
Protein change: p.Ser776fs; shifts the reading frame from serine 776.
Molecular consequence: frameshift variant.
Genome position (GRCh38, 1-based): chr2:55,636,263-55,636,266, AAAT duplicated on the plus strand (ATTT on the coding strand, the reverse complement: PNPT1 is on the minus strand); duplicating any 4 consecutive bases within chr2:55,636,263-55,636,267 gives the same sequence; the c. name uses the placement nearest the transcript's 3' end. VCF-style (leftmost placement, unchanged base first): chr2-55636262-G-GAAAT. GRCh37 (hg19) VCF-style: chr2-55863397-G-GAAAT.
Other names: short protein forms S776fs.
Identifiers: ClinVar variation 2094816 (VCV002094816.3), dbSNP rs778431551, ClinGen allele CA1667719.
Genomic context (GRCh38, chr2:55,636,262, plus strand): 5'-AAATAGAATTCTAGAATTCTCTTTAAAAAAAAAAATCACTGAGAATTAGATGATGACTGT[G>GAAAT]AAATAGGTTCTCCCATTACAATACTACTTCTGTCATTCAAAGTTCTGACCACGGTTGTAG-3'